The following is an entry in ClinVar:

NM_182760.4(SUMF1):c.632G>A (p.Trp211Ter)

Gene: SUMF1 (sulfatase modifying factor 1; minus strand). Cytogenetic location: 3p26.1.
Variant type: single nucleotide variant.
Coding change: c.632G>A on transcript NM_182760.4 (MANE Select); coding-DNA position 632, G replaced by A.
Protein change: p.Trp211Ter; replaces tryptophan 211 with a stop codon.
Molecular consequence: nonsense.
Genome position (GRCh38, 1-based): chr3:4,418,103, C>T on the plus strand (G>A on the coding strand, the complement: SUMF1 is on the minus strand). VCF-style: chr3-4418103-C-T. GRCh37 (hg19) VCF-style: chr3-4459787-C-T.
Other names: c.557G>A, p.Trp186Ter (NM_001164674.2); c.632G>A, p.Trp211Ter (NM_001164675.2); short protein forms W186*, W211*.
Identifiers: ClinVar variation 1460108 (VCV001460108.6), dbSNP rs1701775522, ClinGen allele CA351632748.

ClinVar aggregate classification (germline): Pathogenic (1 of 4 stars; one submission).

Conditions:
Multiple sulfatase deficiency (MSD). Also called: Mucosulfatidosis; Multiple Sulfatase Deficiency Disease; Sulfatidosis, Juvenile, Austin Type. Identifiers: Orphanet 585, MedGen C0268263, MONDO:0010088, OMIM 272200.

Allele frequency attached by ClinVar (database versions not stated): TOPMed below 0.00001.

Submission:

Labcorp Genetics (formerly Invitae), Labcorp
Classification: Pathogenic for Multiple sulfatase deficiency. Last evaluated: 2022-03-19. Review status: criteria provided, single submitter. Criteria: Invitae Variant Classification Sherloc (09022015). Collection method: clinical testing. Allele origin: germline.
Comment: This sequence change creates a premature translational stop signal (p.Trp211*) in the SUMF1 gene. It is expected to result in an absent or disrupted protein product. Loss-of-function variants in SUMF1 are known to be pathogenic (PMID: 12757705, 12757706, 25885655). For these reasons, this variant has been classified as Pathogenic. Algorithms developed to predict the effect of sequence changes on RNA splicing suggest that this variant may create or strengthen a splice site. This variant has not been reported in the literature in individuals affected with SUMF1-related conditions. This variant is not present in population databases (gnomAD no frequency).

Literature cited by the submitters: PubMed 12757705; PubMed 12757706; PubMed 25885655.